The following is an entry in ClinVar:

NC_000023.10:g.(154134849_154156845)_(154159952_154175972)dup

Gene: F8 (coagulation factor VIII; minus strand). Cytogenetic location: Xq28.
Variant type: Duplication.
Identifiers: ClinVar variation 3068756 (VCV003068756.1).

ClinVar aggregate classification (germline): Pathogenic (1 of 4 stars; one submission).

Conditions:
Hereditary factor VIII deficiency disease (HEMA). Also called: Hemophilia A; Hemophilia A, congenital; HEM A; Factor 8 deficiency, congenital; HEMOPHILIA, CLASSIC; AUTOSOMAL HEMOPHILIA A. Identifiers: Orphanet 98878, MedGen C0019069, MONDO:0010602, OMIM 306700.

Submission:

Women's Health and Genetics/Laboratory Corporation of America, LabCorp
Classification: Pathogenic for Hereditary factor VIII deficiency disease. Last evaluated: 2024-02-26. Review status: criteria provided, single submitter. Criteria: LabCorp Variant Classification Summary - May 2015. Collection method: clinical testing. Allele origin: germline.
Comment: Variant summary: The variant involves the duplication of exon 14 in the F8 gene. It is assumed to be a tandem duplication in direct orientation (PMIDs: 25640679, 30054569). This Copy Number Variant (CNV) is expected to alter the reading frame and predicted to result in a truncation or absence of the encoded protein due to nonsense mediated decay (NMD). A presumed nomenclature of c.(2113+1_2114-1)_(5219+1_5220-1)dup has been designated for the purposes of this classification. The variant was absent in 16120 control chromosomes (gnomAD). c.(2113+1_2114-1)_(5219+1_5220-1)dup has been reported in the literature in individuals affected with Factor VIII Deficiency (Hemophilia A; Rost_2008, Johnsen_2017, Feng_2021). These data indicate that the variant is likely to be associated with disease. The following publications have been ascertained in the context of this evaluation (PMID: 33245802, 18752578, 29296726). No submitters have cited clinical-significance assessments for this variant to ClinVar. Based on the evidence outlined above, the variant was classified as pathogenic.

Literature cited by the submitters: PubMed 29296726; PubMed 33245802; PubMed 18752578.